The following is an entry in ClinVar:

NM_017721.5(CC2D1A):c.2237A>G (p.Lys746Arg)

Gene: CC2D1A (coiled-coil and C2 domain containing 1A; plus strand). Cytogenetic location: 19p13.12.
Variant type: single nucleotide variant.
Coding change: c.2237A>G on transcript NM_017721.5 (MANE Select); coding-DNA position 2237, A replaced by G.
Protein change: p.Lys746Arg; replaces lysine 746 with arginine.
Molecular consequence: missense variant.
Genome position (GRCh38, 1-based): chr19:13,927,186, A>G. VCF-style: chr19-13927186-A-G. GRCh37 (hg19) VCF-style: chr19-14037999-A-G.
Other names: c.2237A>G, p.Lys746Arg (NM_001411138.1); short protein forms K746R.
Identifiers: ClinVar variation 1788206 (VCV001788206.3), dbSNP rs1971673904, ClinGen allele CA404396635.

ClinVar aggregate classification (germline): Uncertain significance. Review status: criteria provided, multiple submitters, no conflicts (2 of 4 stars). 2 submissions from 2 submitters: Uncertain significance (2). Last evaluated 2023-03-22.

Conditions:
Inborn genetic diseases. Identifiers: MedGen C0950123, MeSH D030342.

Allele frequency attached by ClinVar (database versions not stated): gnomAD exomes below 0.00001.

Submissions (2):

GeneDx
Classification: Uncertain significance. Last evaluated: 2023-03-22. Review status: criteria provided, single submitter. Criteria: GeneDx Variant Classification Process June 2021. Collection method: clinical testing. Allele origin: germline. Affected: yes.
Comment: Not observed at significant frequency in large population cohorts (gnomAD); In silico analysis supports that this missense variant does not alter protein structure/function; In silico analysis suggests this variant may impact gene splicing. In the absence of RNA/functional studies, the actual effect of this sequence change is unknown.; Has not been previously published as pathogenic or benign to our knowledge

Ambry Genetics
Classification: Uncertain significance for Inborn genetic diseases. Last evaluated: 2021-08-17. Review status: criteria provided, single submitter. Criteria: Ambry Variant Classification Scheme 2023. Collection method: clinical testing. Allele origin: germline.